The following is an entry in ClinVar:

ClinVar aggregate classification (germline): Uncertain significance. Review status: criteria provided, multiple submitters, no conflicts (2 of 4 stars). 3 submissions from 3 submitters: Uncertain significance (3). Last evaluated 2024-09-14.

Conditions:
Vanishing white matter disease. Also called: CACH syndrome; Childhood ataxia with diffuse central nervous system hypomyelination; Leukoencephalopathy with vanishing white matter; CACH/VWM syndrome; Cree leukoencehalopathy. Identifiers: Orphanet 135, Orphanet 99853, MedGen C1858991, MONDO:0800448.

Allele frequency attached by ClinVar (database versions not stated): TOPMed 0.00007; gnomAD 0.00012 and 0.00013; gnomAD exomes 0.00013 and 0.00015; ESP Exome Variant Server 0.00015; ExAC 0.00021.
gnomAD v4.1: 201 of 1,612,704 alleles (0.012%); highest among the groups gnomAD compares: Non-Finnish European, 0.012%; no homozygotes.

Submissions (3):

Blueprint Genetics
Classification: Uncertain significance. Last evaluated: 2024-09-14. Review status: criteria provided, single submitter. Criteria: ACMG Guidelines, 2015. Collection method: clinical testing. Allele origin: germline.

GeneDx
Classification: Uncertain significance. Last evaluated: 2022-07-14. Review status: criteria provided, single submitter. Criteria: GeneDx Variant Classification Process June 2021. Collection method: clinical testing. Allele origin: germline. Affected: yes.
Comment: In silico analysis supports that this missense variant has a deleterious effect on protein structure/function; Has not been previously published as pathogenic or benign to our knowledge

Illumina Laboratory Services, Illumina
Classification: Uncertain significance for Leukoencephalopathy with vanishing white matter 1. Last evaluated: 2018-01-13. Review status: criteria provided, single submitter. Criteria: ICSL Variant Classification Criteria 13 December 2019. Collection method: clinical testing. Allele origin: germline.

NM_020365.5(EIF2B3):c.44G>A (p.Arg15Gln)

Gene: EIF2B3 (eukaryotic translation initiation factor 2B subunit gamma; minus strand). Cytogenetic location: 1p34.1.
Variant type: single nucleotide variant.
Coding change: c.44G>A on transcript NM_020365.5 (MANE Select); coding-DNA position 44, G replaced by A.
Protein change: p.Arg15Gln; replaces arginine 15 with glutamine.
Molecular consequence: missense variant.
Genome position (GRCh38, 1-based): chr1:44,981,125, C>T on the plus strand (G>A on the coding strand, the complement: EIF2B3 is on the minus strand). VCF-style: chr1-44981125-C-T. GRCh37 (hg19) VCF-style: chr1-45446797-C-T.
Other names: c.44G>A, p.Arg15Gln (NM_001166588.3, NM_001261418.2); short protein forms R15Q.
Identifiers: ClinVar variation 297450 (VCV000297450.7), dbSNP rs200409938, ClinGen allele CA824114.